The following is an entry in ClinVar:

ClinVar aggregate classification (germline): Uncertain significance (1 of 4 stars; one submission).

Conditions:
Ehlers-Danlos syndrome, classic type, 1 (EDSCL1). Also called: EHLERS-DANLOS SYNDROME, GRAVIS TYPE; EHLERS-DANLOS SYNDROME, SEVERE CLASSIC TYPE; Ehlers-Danlos syndrome, type 1; EDS I; Ehlers-Danlos Syndrome, Classic Type, COL5A1-Related. Identifiers: MedGen C0268335, MONDO:0019567, OMIM 130000.

Submission:

Labcorp Genetics (formerly Invitae), Labcorp
Classification: Uncertain significance for Ehlers-Danlos syndrome, classic type, 1. Last evaluated: 2022-10-26. Review status: criteria provided, single submitter. Criteria: Invitae Variant Classification Sherloc (09022015). Collection method: clinical testing. Allele origin: germline.
Comment: This sequence change affects codon 287 of the COL5A1 mRNA. It is a 'silent' change, meaning that it does not change the encoded amino acid sequence of the COL5A1 protein. This variant is not present in population databases (gnomAD no frequency). This variant has not been reported in the literature in individuals affected with COL5A1-related conditions. Algorithms developed to predict the effect of sequence changes on RNA splicing suggest that this variant may disrupt the consensus splice site. In summary, the available evidence is currently insufficient to determine the role of this variant in disease. Therefore, it has been classified as a Variant of Uncertain Significance.

NM_000093.5(COL5A1):c.861G>T (p.Gly287=)

Gene: COL5A1 (collagen type V alpha 1 chain; plus strand). Cytogenetic location: 9q34.3.
Variant type: single nucleotide variant.
Coding change: c.861G>T on transcript NM_000093.5 (MANE Select); coding-DNA position 861, G replaced by T.
Protein change: p.Gly287=; no amino-acid change (glycine 287 retained).
Molecular consequence: synonymous variant.
Genome position (GRCh38, 1-based): chr9:134,728,744, G>T. VCF-style: chr9-134728744-G-T. GRCh37 (hg19) VCF-style: chr9-137620590-G-T.
Other names: c.861G>T, p.Gly287= (NM_001278074.1).
Identifiers: ClinVar variation 2036869 (VCV002036869.4), dbSNP rs2490492565, ClinGen allele CA467663407.